The following is an entry in ClinVar:

ClinVar aggregate classification (germline): Uncertain significance (1 of 4 stars; one submission).

Conditions:
Renal cell carcinoma. Identifiers: Orphanet 217071, MedGen C0007134, MeSH D002292, MONDO:0005086, HP:0005584.

Submission:

Labcorp Genetics (formerly Invitae), Labcorp
Classification: Uncertain significance for Renal cell carcinoma. Last evaluated: 2024-05-18. Review status: criteria provided, single submitter. Criteria: Invitae Variant Classification Sherloc (09022015). Collection method: clinical testing. Allele origin: germline.
Comment: This sequence change replaces lysine, which is basic and polar, with glutamine, which is neutral and polar, at codon 751 of the MET protein (p.Lys751Gln). This variant is not present in population databases (gnomAD no frequency). This variant has not been reported in the literature in individuals affected with MET-related conditions. Advanced modeling of protein sequence and biophysical properties (such as structural, functional, and spatial information, amino acid conservation, physicochemical variation, residue mobility, and thermodynamic stability) performed at Invitae indicates that this missense variant is not expected to disrupt MET protein function with a negative predictive value of 80%. In summary, the available evidence is currently insufficient to determine the role of this variant in disease. Therefore, it has been classified as a Variant of Uncertain Significance.

NM_000245.4(MET):c.2251A>C (p.Lys751Gln)

Gene: MET (MET proto-oncogene, receptor tyrosine kinase; plus strand). Cytogenetic location: 7q31.2.
Variant type: single nucleotide variant.
Coding change: c.2251A>C on transcript NM_000245.4 (MANE Select); coding-DNA position 2251, A replaced by C.
Protein change: p.Lys751Gln; replaces lysine 751 with glutamine.
Molecular consequence: missense variant.
Genome position (GRCh38, 1-based): chr7:116,758,607, A>C. VCF-style: chr7-116758607-A-C. GRCh37 (hg19) VCF-style: chr7-116398661-A-C.
Other names: c.961A>C, p.Lys321Gln (NM_001324402.2); c.2251A>C, p.Lys751Gln (NM_001127500.3, NM_001324401.3); short protein forms K321Q, K751Q.
Identifiers: ClinVar variation 3653757 (VCV003653757.2).